The following is an entry in ClinVar:

NM_005862.3(STAG1):c.3368G>A (p.Arg1123Gln)

Gene: STAG1 (STAG1 cohesin complex component; minus strand). Cytogenetic location: 3q22.3.
Variant type: single nucleotide variant.
Coding change: c.3368G>A on transcript NM_005862.3 (MANE Select); coding-DNA position 3368, G replaced by A.
Protein change: p.Arg1123Gln; replaces arginine 1123 with glutamine.
Molecular consequence: missense variant.
Genome position (GRCh38, 1-based): chr3:136,343,910, C>T on the plus strand (G>A on the coding strand, the complement: STAG1 is on the minus strand). VCF-style: chr3-136343910-C-T. GRCh37 (hg19) VCF-style: chr3-136062752-C-T.
Other names: c.3368G>A (NM_005862.2); short protein forms R1123Q.
Identifiers: ClinVar variation 2868546 (VCV002868546.5), dbSNP rs776820207, ClinGen allele CA2632401.

ClinVar aggregate classification (germline): Conflicting classifications of pathogenicity. Review status: criteria provided, conflicting classifications (1 of 4 stars). 3 submissions from 3 submitters: Uncertain significance (1); Likely benign (2). Last evaluated 2025-07-07.

Conditions:
Inborn genetic diseases. Identifiers: MedGen C0950123, MeSH D030342.

Allele frequency attached by ClinVar (database versions not stated): gnomAD exomes 0.00002; TOPMed 0.00002; ExAC 0.00003; gnomAD 0.00003.
gnomAD v4.1: 37 of 1,610,556 alleles (0.0023%); highest among the groups gnomAD compares: Non-Finnish European, 0.003%; no homozygotes.

Submissions (3):

Labcorp Genetics (formerly Invitae), Labcorp
Classification: Uncertain significance. Last evaluated: 2025-07-07. Review status: criteria provided, single submitter. Criteria: Invitae Variant Classification Sherloc (09022015). Collection method: clinical testing. Allele origin: germline.
Comment: This sequence change replaces arginine, which is basic and polar, with glutamine, which is neutral and polar, at codon 1123 of the STAG1 protein (p.Arg1123Gln). This variant is present in population databases (rs776820207, gnomAD 0.01%). This variant has not been reported in the literature in individuals affected with STAG1-related conditions. ClinVar contains an entry for this variant (Variation ID: 2868546). An algorithm developed to predict the effect of missense changes on protein structure and function (PolyPhen-2) suggests that this variant is likely to be disruptive. In summary, the available evidence is currently insufficient to determine the role of this variant in disease. Therefore, it has been classified as a Variant of Uncertain Significance.

Laboratory of Genetics, Children's Clinical University Hospital Latvia
Classification: Likely benign. Last evaluated: 2025-02-16. Review status: criteria provided, single submitter. Criteria: ACMG Guidelines, 2015. Collection method: clinical testing. Allele origin: germline. Affected: yes.

Ambry Genetics
Classification: Likely benign for Inborn genetic diseases. Last evaluated: 2024-03-31. Review status: criteria provided, single submitter. Criteria: Ambry Variant Classification Scheme 2023. Collection method: clinical testing. Allele origin: germline.